The following is an entry in ClinVar:

ClinVar aggregate classification (germline): Pathogenic/Likely pathogenic. Review status: criteria provided, multiple submitters, no conflicts (2 of 4 stars). 11 submissions from 10 submitters: Pathogenic (3); Likely pathogenic (5). 3 of the submissions do not count toward it. Last evaluated 2026-04-22.

Conditions:
Lethal congenital contractural syndrome Finnish type.
Paediatric disorders.
Inborn genetic diseases. Identifiers: MedGen C0950123, MeSH D030342.
Lethal congenital contracture syndrome 1 (LCCS1). Also called: MULTIPLE CONTRACTURE SYNDROME, FINNISH TYPE. Identifiers: Orphanet 1486, MedGen C1854664, MONDO:0009670, OMIM 253310.
Lethal arthrogryposis-anterior horn cell disease syndrome (CAAHD). Also called: CONGENITAL ARTHROGRYPOSIS WITH ANTERIOR HORN CELL DISEASE. Identifiers: Orphanet 53696, MedGen C5193016, MONDO:0012750, OMIM 611890.

Allele frequency attached by ClinVar (database versions not stated): gnomAD 0.00010; ExAC 0.00040; TOPMed 0.00010; gnomAD exomes 0.00026 and 0.00027.
gnomAD v4.1: 382 of 1,613,812 alleles (0.024%); highest among the groups gnomAD compares: Non-Finnish European, 0.03%; no homozygotes.

Submissions (11):

NHS Central & South Genomic Laboratory Hub
Classification: Pathogenic for Paediatric disorders. Last evaluated: 2026-04-22. Review status: criteria provided, single submitter. Criteria: ACMG Guidelines, 2015. Collection method: clinical testing. Allele origin: germline. Affected: yes.

GeneDx
Classification: Likely pathogenic. Last evaluated: 2025-08-05. Review status: criteria provided, single submitter. Criteria: GeneDx Variant Classification Process June 2021. Collection method: clinical testing. Allele origin: germline. Affected: yes.
Comment: In silico analysis supports that this missense variant has a deleterious effect on protein structure/function; This variant is associated with the following publications: (PMID: 28869701, 3993672, 24275432, 29899397, 37223130, 32537934, 18204449, 27684565, 24961629, 25343993, 35121750, 28729373, 37301908, 31056085, 23421748, 29096039, 34490615, 38383349, 28884921, 28980860, 21984750, 28657126, 32954510)

Natera, Inc.
Classification: Pathogenic for Lethal congenital contractural syndrome Finnish type. Last evaluated: 2025-06-12. Review status: criteria provided, single submitter. Criteria: Natera Variant Classification Schema (03/2026). Collection method: clinical testing. Allele origin: germline.
Comment: The c.1706G>A variant in GLE1 is a missense variant predicted to cause substitution of arginine to histidine at amino acid 569. This variant is rare in the general population with a frequency below the threshold expected for the associated phenotype(s). This variant has been observed in one or more individuals affected with the associated recessive disease, as either homozygous or compound heterozygous with a second variant (PMID: 18204449, 29096039, 28884921, 34490615). Additionally, this variant has been observed to segregate in affected family members (PMID: 29096039). Computational prediction algorithms indicate this variant is likely to affect gene or protein function. Given the available evidence, this variant is classified as Pathogenic.

Fulgent Genetics
Classification: Likely pathogenic for Lethal congenital contracture syndrome 1; Lethal arthrogryposis-anterior horn cell disease syndrome. Last evaluated: 2024-04-06. Review status: criteria provided, single submitter. Criteria: ACMG Guidelines, 2015. Collection method: clinical testing. Allele origin: germline.

Labcorp Genetics (formerly Invitae), Labcorp
Classification: Pathogenic. Last evaluated: 2024-02-19. Review status: criteria provided, single submitter. Criteria: Invitae Variant Classification Sherloc (09022015). Collection method: clinical testing. Allele origin: germline.
Comment: This sequence change replaces arginine, which is basic and polar, with histidine, which is basic and polar, at codon 569 of the GLE1 protein (p.Arg569His). This variant is present in population databases (rs121434407, gnomAD 0.05%). This missense change has been observed in individual(s) with lethal congenital contracture syndrome 1 (PMID: 18204449, 24961629, 28884921, 32954510). In at least one individual the data is consistent with being in trans (on the opposite chromosome) from a pathogenic variant. It has also been observed to segregate with disease in related individuals. ClinVar contains an entry for this variant (Variation ID: 6463). Advanced modeling of protein sequence and biophysical properties (such as structural, functional, and spatial information, amino acid conservation, physicochemical variation, residue mobility, and thermodynamic stability) has been performed at Invitae for this missense variant, however the output from this modeling did not meet the statistical confidence thresholds required to predict the impact of this variant on GLE1 protein function. Experimental studies have shown that this missense change affects GLE1 function (PMID: 29899397). For these reasons, this variant has been classified as Pathogenic.

Department of Pathology and Laboratory Medicine, Sinai Health System
Classification: Likely pathogenic for Lethal congenital contracture syndrome 1; Lethal arthrogryposis-anterior horn cell disease syndrome. Last evaluated: 2023-09-11. Review status: criteria provided, single submitter. Criteria: ACMG Guidelines, 2015. Collection method: research. Allele origin: germline.

Revvity Omics, Revvity
Classification: Likely pathogenic. Last evaluated: 2021-11-18. Review status: criteria provided, single submitter. Criteria: ACMG Guidelines, 2015. Collection method: clinical testing. Allele origin: germline.

Ambry Genetics
Classification: Likely pathogenic for Inborn genetic diseases. Last evaluated: 2015-12-29. Review status: criteria provided, single submitter. Criteria: Ambry exome assertion method (8-5-2015). Collection method: clinical testing. Allele origin: germline. Affected: yes. Observed: 1 variant allele.

OMIM
Classification: Pathogenic for LETHAL CONGENITAL CONTRACTURE SYNDROME 1. Last evaluated: 2008-02-01. Review status: no assertion criteria provided. Collection method: literature only. Allele origin: germline. Not counted in ClinVar's aggregate classification.

OMIM
Classification: Pathogenic for CONGENITAL ARTHROGRYPOSIS WITH ANTERIOR HORN CELL DISEASE. Last evaluated: 2008-02-01. Review status: no assertion criteria provided. Collection method: literature only. Allele origin: germline. Not counted in ClinVar's aggregate classification.

University of Washington Center for Mendelian Genomics, University of Washington
Classification: Likely pathogenic for Congenital Arthrogryposis with Anterior Horn Cell Disease. Review status: no assertion criteria provided. Collection method: research. Allele origin: inherited. Affected: yes. Not counted in ClinVar's aggregate classification.

Literature cited by the submitters: PubMed 18204449 (cited by 3 submitters); PubMed 29096039 (cited by Natera, Inc.); PubMed 28884921 (cited by 4 submitters); PubMed 34490615 (cited by Natera, Inc.); PubMed 24961629 (cited by Labcorp Genetics (formerly Invitae), Labcorp); PubMed 32954510 (cited by Labcorp Genetics (formerly Invitae), Labcorp); PubMed 29899397 (cited by Labcorp Genetics (formerly Invitae), Labcorp); PubMed 35121750 (cited by OMIM).

NM_001003722.2(GLE1):c.1706G>A (p.Arg569His)

Genes: GLE1 (GLE1 RNA export mediator; plus strand), LOC101929270 (uncharacterized LOC101929270; minus strand). Cytogenetic location: 9q34.11.
Variant type: single nucleotide variant.
Coding change: c.1706G>A on transcript NM_001003722.2 (MANE Select); coding-DNA position 1706, G replaced by A.
Protein change: p.Arg569His; replaces arginine 569 with histidine.
Molecular consequence: missense variant.
Genome position (GRCh38, 1-based): chr9:128,536,414, G>A. VCF-style: chr9-128536414-G-A. GRCh37 (hg19) VCF-style: chr9-131298693-G-A.
Other names: c.1706G>A, p.Arg569His (NM_001499.2); short protein forms R569H.
Identifiers: ClinVar variation 6463 (VCV000006463.20), dbSNP rs121434407, ClinGen allele CA118278.